The following is an entry in ClinVar:

ClinVar aggregate classification (germline): Uncertain significance. Review status: criteria provided, multiple submitters, no conflicts (2 of 4 stars). 2 submissions from 2 submitters: Uncertain significance (2). Last evaluated 2025-07-25.

Conditions:
Hereditary cancer-predisposing syndrome. Also called: Neoplastic Syndromes, Hereditary; Tumor predisposition; Hereditary neoplastic syndrome; Hereditary Cancer Syndrome. Identifiers: Orphanet 140162, MedGen C0027672, MeSH D009386, MONDO:0015356.
Pheochromocytoma. Also called: MAX-Related Hereditary Paraganglioma-Pheochromocytoma Syndrome. Identifiers: Orphanet 29072, MedGen C0031511, MONDO:0008233, OMIM 171300, HP:0002666.
Paragangliomas with sensorineural hearing loss. Identifiers: MedGen C1868633.
Carney-Stratakis syndrome. Also called: PARAGANGLIOMA AND GASTROINTESTINAL STROMAL TUMOR. Identifiers: Orphanet 97286, MedGen C1847319, MONDO:0011740, OMIM 606864.
Cowden syndrome 3 (CWS3). Identifiers: Orphanet 201, MedGen CN166604, MONDO:0014045.

gnomAD v4.1: 2 of 1,611,868 alleles (0.00012%); highest among the groups gnomAD compares: East Asian, 0.0045%; no homozygotes.

Submissions (2):

Labcorp Genetics (formerly Invitae), Labcorp
Classification: Uncertain significance for Carney-Stratakis syndrome; Paragangliomas with sensorineural hearing loss; Pheochromocytoma; Cowden syndrome 3. Last evaluated: 2025-07-25. Review status: criteria provided, single submitter. Criteria: Invitae Variant Classification Sherloc (09022015). Collection method: clinical testing. Allele origin: germline.
Comment: This sequence change replaces alanine, which is neutral and non-polar, with glycine, which is neutral and non-polar, at codon 130 of the SDHD protein (p.Ala130Gly). This variant is not present in population databases (gnomAD no frequency). This variant has not been reported in the literature in individuals affected with SDHD-related conditions. ClinVar contains an entry for this variant (Variation ID: 824350). Invitae Evidence Modeling of protein sequence and biophysical properties (such as structural, functional, and spatial information, amino acid conservation, physicochemical variation, residue mobility, and thermodynamic stability) indicates that this missense variant is not expected to disrupt SDHD protein function with a negative predictive value of 95%. In summary, the available evidence is currently insufficient to determine the role of this variant in disease. Therefore, it has been classified as a Variant of Uncertain Significance.

Ambry Genetics
Classification: Uncertain significance for Hereditary cancer-predisposing syndrome. Last evaluated: 2021-09-22. Review status: criteria provided, single submitter. Criteria: Ambry Variant Classification Scheme 2023. Collection method: clinical testing. Allele origin: germline.
Comment: The p.A130G variant (also known as c.389C>G), located in coding exon 4 of the SDHD gene, results from a C to G substitution at nucleotide position 389. The alanine at codon 130 is replaced by glycine, an amino acid with similar properties. This amino acid position is not well conserved in available vertebrate species. In addition, the in silico prediction for this alteration is inconclusive. Since supporting evidence is limited at this time, the clinical significance of this alteration remains unclear.

NM_003002.4(SDHD):c.389C>G (p.Ala130Gly)

Gene: SDHD (succinate dehydrogenase complex subunit D; plus strand). Cytogenetic location: 11q23.1.
Variant type: single nucleotide variant.
Coding change: c.389C>G on transcript NM_003002.4 (MANE Select); coding-DNA position 389, C replaced by G.
Protein change: p.Ala130Gly; replaces alanine 130 with glycine.
Molecular consequence: missense variant. On other transcripts: 3 prime UTR variant (1), non-coding transcript variant (1).
Genome position (GRCh38, 1-based): chr11:112,094,879, C>G. VCF-style: chr11-112094879-C-G. GRCh37 (hg19) VCF-style: chr11-111965603-C-G.
Other names: c.244C>G, p.His82Asp (NM_001276503.2); c.272C>G, p.Ala91Gly (NM_001276504.2); c.*87C>G (NM_001276506.2); short protein forms A130G, H82D, A91G.
Identifiers: ClinVar variation 824350 (VCV000824350.12), dbSNP rs1049692537, ClinGen allele CA382619151.
Genomic context (GRCh38, chr11:112,094,879, plus strand): 5'-TTGTTACTGACTATGTTCATGGGGATGCCTTGCAGAAAGCTGCCAAGGCAGGGCTTTTGG[C>G]ACTTTCAGCTTTAACCTTTGCTGGGCTTTGCTATTTCAACTATCACGATGTGGGCATCTG-3'
Protein context (NP_002993.1, residues 120-140): LQKAAKAGLL[Ala130Gly]LSALTFAGLC